The following is an entry in ClinVar:

ClinVar aggregate classification (germline): Uncertain significance (1 of 4 stars; one submission).

Submission:

Ambry Genetics
Classification: Uncertain significance. Last evaluated: 2022-03-24. Review status: criteria provided, single submitter. Criteria: Ambry Variant Classification Scheme 2023. Collection method: clinical testing. Allele origin: germline.
Comment: The p.I96M variant (also known as c.288C>G), located in coding exon 3 of the ALPK2 gene, results from a C to G substitution at nucleotide position 288. The isoleucine at codon 96 is replaced by methionine, an amino acid with highly similar properties. This amino acid position is conserved. In addition, this alteration is predicted to be tolerated by in silico analysis. Since supporting evidence is limited at this time, the clinical significance of this alteration remains unclear.

NM_052947.4(ALPK2):c.288C>G (p.Ile96Met)

Gene: ALPK2 (alpha kinase 2; minus strand). Cytogenetic location: 18q21.31.
Variant type: single nucleotide variant.
Coding change: c.288C>G on transcript NM_052947.4 (MANE Select); coding-DNA position 288, C replaced by G.
Protein change: p.Ile96Met; replaces isoleucine 96 with methionine.
Molecular consequence: missense variant.
Genome position (GRCh38, 1-based): chr18:58,580,488, G>C on the plus strand (C>G on the coding strand, the complement: ALPK2 is on the minus strand). VCF-style: chr18-58580488-G-C. GRCh37 (hg19) VCF-style: chr18-56247720-G-C.
Other names: short protein forms I96M.
Identifiers: ClinVar variation 1797266 (VCV001797266.2), dbSNP rs2518900437, ClinGen allele CA402568308.